The following is an entry in ClinVar:

ClinVar aggregate classification (germline): Conflicting classifications of pathogenicity. Review status: criteria provided, conflicting classifications (1 of 4 stars). 4 submissions from 4 submitters: Uncertain significance (2); Likely benign (2). Last evaluated 2026-01-18.

Conditions:
Hereditary cancer-predisposing syndrome. Also called: Tumor predisposition; Hereditary Cancer Syndrome; Hereditary neoplastic syndrome; Neoplastic Syndromes, Hereditary. Identifiers: Orphanet 140162, MedGen C0027672, MeSH D009386, MONDO:0015356.
Renal cell carcinoma. Identifiers: Orphanet 217071, MedGen C0007134, MeSH D002292, MONDO:0005086, HP:0005584.

Allele frequency attached by ClinVar (database versions not stated): ExAC 0.00002; gnomAD exomes 0.00002; TOPMed 0.00012; gnomAD 0.00013 and 0.00014.
gnomAD v4.1: 29 of 1,613,898 alleles (0.0018%); highest among the groups gnomAD compares: African/African-American, 0.037%; no homozygotes.

Submissions (4):

Labcorp Genetics (formerly Invitae), Labcorp
Classification: Likely benign for Renal cell carcinoma. Last evaluated: 2026-01-18. Review status: criteria provided, single submitter. Criteria: Invitae Variant Classification Sherloc (09022015). Collection method: clinical testing. Allele origin: germline.

Quest Diagnostics Nichols Institute San Juan Capistrano
Classification: Uncertain significance. Last evaluated: 2024-11-15. Review status: criteria provided, single submitter. Criteria: Quest Diagnostics criteria. Collection method: clinical testing. Allele origin: unknown.
Comment: The MET c.1975A>T (p.Ile659Leu) variant has been reported in the published literature in an individual with Cowden syndrome/Cowden-like syndrome or Bannayan-Riley-Ruvalcaba syndrome (PMID: 29684080 (2018)). The frequency of this variant in the general population, 0.00033 (8/24202 chromosomes (Genome Aggregation Database)), is uninformative in the assessment of its pathogenicity. Analysis of this variant using bioinformatics tools for the prediction of the effect of amino acid changes on protein structure and function yielded conflicting predictions that this variant is benign or damaging. Based on the available information, we are unable to determine the clinical significance of this variant.

GeneDx
Classification: Uncertain significance. Last evaluated: 2023-08-29. Review status: criteria provided, single submitter. Criteria: GeneDx Variant Classification Process June 2021. Collection method: clinical testing. Allele origin: germline. Affected: yes.
Comment: In silico analysis supports that this missense variant does not alter protein structure/function; Identified in an individual with renal cell carcinoma (Yehia et al., 2018); This variant is associated with the following publications: (PMID: 29684080)

Ambry Genetics
Classification: Likely benign for Hereditary cancer-predisposing syndrome. Last evaluated: 2022-04-08. Review status: criteria provided, single submitter. Criteria: Ambry Variant Classification Scheme 2023. Collection method: clinical testing. Allele origin: germline.

Literature cited by the submitters: PubMed 29684080 (cited by Quest Diagnostics Nichols Institute San Juan Capistrano and Ambry Genetics).

NM_000245.4(MET):c.1975A>T (p.Ile659Leu)

Gene: MET (MET proto-oncogene, receptor tyrosine kinase; plus strand). Cytogenetic location: 7q31.2.
Variant type: single nucleotide variant.
Coding change: c.1975A>T on transcript NM_000245.4 (MANE Select); coding-DNA position 1975, A replaced by T.
Protein change: p.Ile659Leu; replaces isoleucine 659 with leucine.
Molecular consequence: missense variant.
Genome position (GRCh38, 1-based): chr7:116,757,647, A>T. VCF-style: chr7-116757647-A-T. GRCh37 (hg19) VCF-style: chr7-116397701-A-T.
Other names: c.1975A>T, p.Ile659Leu (NM_001127500.3, NM_001324401.3); c.685A>T, p.Ile229Leu (NM_001324402.2); c.1975A>T (NM_001127500.2); short protein forms I659L, I229L.
Identifiers: ClinVar variation 411917 (VCV000411917.20), dbSNP rs753958204, ClinGen allele CA4448349.
Genomic context (GRCh38, chr7:116,757,647, plus strand): 5'-TAAATTATAAGATGAACAAGTTACTTTGTTTTGTTTTTATCTCCCCTCCAGGATCCTGTA[A>T]TAACAAGTATTTCGCCGAAATACGGTCCTATGGCTGGTGGCACTTTACTTACTTTAACTG-3'
Protein context (NP_000236.2, residues 649-669): YSTFSYVDPV[Ile659Leu]TSISPKYGPM